The following is an entry in ClinVar:

NM_001252024.2(TRPM1):c.3557del (p.Gln1186fs)

Genes: TRPM1 (transient receptor potential cation channel subfamily M member 1; minus strand), TRPM1-AS1 (TRPM1 antisense RNA 1; plus strand), LOC126862088 (BRD4-independent group 4 enhancer GRCh37_chr15:31318084-31319283; plus strand). Cytogenetic location: 15q13.3.
Variant type: Deletion.
Coding change: c.3557del on transcript NM_001252024.2 (MANE Select); coding-DNA position 3557, one base deleted (A; older notation c.3557delA).
Protein change: p.Gln1186fs; shifts the reading frame from glutamine 1186.
Molecular consequence: frameshift variant.
Genome position (GRCh38, 1-based): chr15:31,026,211, T deleted on the plus strand (A on the coding strand, the reverse complement: TRPM1 is on the minus strand). VCF-style (leftmost placement, unchanged base first): chr15-31026210-CT-C. GRCh37 (hg19) VCF-style: chr15-31318413-CT-C.
Other names: c.3608del, p.Gln1203fs (NM_001252020.2); c.3491del, p.Gln1164fs (NM_002420.6); short protein forms Q1164fs, Q1186fs, Q1203fs.
Identifiers: ClinVar variation 1303153 (VCV001303153.3), dbSNP rs749725338, ClinGen allele CA7451846.

ClinVar aggregate classification (germline): Conflicting classifications of pathogenicity. Review status: criteria provided, conflicting classifications (1 of 4 stars). 2 submissions from 2 submitters: Likely pathogenic (1); Uncertain significance (1). Last evaluated 2023-11-16.

Conditions:
TRPM1-related disorder. Also called: TRPM1-related condition.

Allele frequency attached by ClinVar (database versions not stated): gnomAD exomes below 0.00001; TOPMed below 0.00001; ExAC 0.00001.

Submissions (2):

Blueprint Genetics
Classification: Likely pathogenic for TRPM1-related disorders. Last evaluated: 2023-11-16. Review status: criteria provided, single submitter. Criteria: ACMG Guidelines, 2015. Collection method: clinical testing. Allele origin: germline. Affected: yes. Observed: 1 variant allele.

GeneDx
Classification: Uncertain significance. Last evaluated: 2019-08-20. Review status: criteria provided, single submitter. Criteria: GeneDx Variant Classification Process June 2021. Collection method: clinical testing. Allele origin: germline. Affected: yes.
Comment: Frameshift variant predicted to result in protein truncation as the last 440 amino acids are lost and replaced with 30 incorrect amino acids, although loss-of-function variants have not been reported downstream of this position in the protein; Not observed at a significant frequency in large population cohorts (Lek et al., 2016); This variant is associated with the following publications: (PMID: 19896113, 25307992)